The following is an entry in ClinVar:

ClinVar aggregate classification (germline): Pathogenic (1 of 4 stars; one submission).

Conditions:
Galactosylceramide beta-galactosidase deficiency. Also called: Krabbe Disease; Leukodystrophy, Globoid Cell; GALACTOCEREBROSIDASE DEFICIENCY; GALC DEFICIENCY; GLOBOID CELL LEUKOENCEPHALOPATHY. Identifiers: Orphanet 487, MedGen C0023521, MONDO:0009499, OMIM 245200.

Submission:

Labcorp Genetics (formerly Invitae), Labcorp
Classification: Pathogenic for Galactosylceramide beta-galactosidase deficiency. Last evaluated: 2022-05-22. Review status: criteria provided, single submitter. Criteria: Invitae Variant Classification Sherloc (09022015). Collection method: clinical testing. Allele origin: germline.
Comment: For these reasons, this variant has been classified as Pathogenic. This variant has not been reported in the literature in individuals affected with GALC-related conditions. This variant is not present in population databases (gnomAD no frequency). This sequence change creates a premature translational stop signal (p.Leu45Argfs*45) in the GALC gene. It is expected to result in an absent or disrupted protein product. Loss-of-function variants in GALC are known to be pathogenic (PMID: 7437911, 9272171, 16607461).

Literature cited by the submitters: PubMed 7437911; PubMed 9272171; PubMed 16607461.

NM_000153.4(GALC):c.133_134insGTCG (p.Leu45fs)

Genes: GALC (galactosylceramidase; minus strand), LOC130056217 (ATAC-STARR-seq lymphoblastoid silent region 5988; plus strand). Cytogenetic location: 14q31.3.
Variant type: Insertion.
Coding change: c.133_134insGTCG on transcript NM_000153.4 (MANE Select); coding-DNA positions 133 to 134, GTCG inserted.
Protein change: p.Leu45fs; shifts the reading frame from leucine 45.
Molecular consequence: frameshift variant. On other transcripts: intron variant (1).
Genome position: GRCh38 VCF-style: chr14-87993031-A-ACGAC. GRCh37 (hg19) VCF-style: chr14-88459375-A-ACGAC.
Other names: c.133_134insGTCG, p.Leu45fs (NM_001201401.2); c.117+351_117+352insGTCG (NM_001201402.2); short protein forms L45fs.
Identifiers: ClinVar variation 1997865 (VCV001997865.4), dbSNP rs2503548183, ClinGen allele CA2580089260.